The following is an entry in ClinVar:

ClinVar aggregate classification (germline): Pathogenic. Review status: reviewed by expert panel (3 of 4 stars). 10 submissions from 10 submitters: Pathogenic (1). 9 of the submissions do not count toward it. Last evaluated 2022-03-09.

Conditions:
Ataxia-telangiectasia syndrome (AT). Also called: LOUIS-BAR SYNDROME; Ataxia telangiectasia (A-T); Cerebello-oculocutaneous telangiectasia; Immunodeficiency with ataxia telangiectasia; Ataxia-telangiectasia, complementation group E; ATAXIA-TELANGIECTASIA, COMPLEMENTATION GROUP A. Identifiers: Orphanet 100, MedGen C0004135, MONDO:0008840, OMIM 208900.
Familial cancer of breast. Also called: BREAST CANCER, FAMILIAL; Hereditary breast cancer; hereditary breast carcinoma. Identifiers: Orphanet 227535, MedGen C0346153, MONDO:0016419, OMIM 114480. Disease mechanism: loss of function.
ATM-related cancer predisposition. Also called: ATM-related cancer susceptibility. Identifiers: MedGen CN377759, MONDO:0700270.
Hereditary cancer-predisposing syndrome. Also called: Hereditary Cancer Syndrome; Tumor predisposition; Neoplastic Syndromes, Hereditary; Hereditary neoplastic syndrome. Identifiers: Orphanet 140162, MedGen C0027672, MeSH D009386, MONDO:0015356.

Allele frequency attached by ClinVar (database versions not stated): gnomAD 0.00001; gnomAD exomes below 0.00001.
gnomAD v4.1: 2 of 1,614,062 alleles (0.00012%); highest among the groups gnomAD compares: African/African-American, 0.0013%; no homozygotes.

Submissions (10):

ClinGen Hereditary Breast, Ovarian and Pancreatic Cancer Variant Curation Expert Panel, ClinGen
Classification: Pathogenic for ATM-related cancer predisposition. Last evaluated: 2022-03-09. Review status: reviewed by expert panel. Criteria: clingen hbop acmg specifications atm v1-1. Collection method: curation. Allele origin: germline. Inheritance: Autosomal dominant inheritance.
Comment: The ATM c.1442T>G (p.Leu481Ter) variant is expected to produce an NMD-prone transcript due to a nonsense or frameshifting event (PVS1). In the absence of potential splicing rescue mechanisms in ATM, all PVS1-eligble truncating variants are expected to be pathogenic based on the existence of known pathogenic C-terminal truncations in the last exon (PM5_Supporting). This variant has been observed in a compound heterozygous state (confirmed) in one individual with Ataxia-Telangiectasia (PMID 21665257: PM3_Strong). This variant is absent in GnomAD v2.1.1 (PM2_Supporting). In summary, this variant meets criteria to be classified as pathogenic based on the ACMG/AMP criteria applied as specified by the HBOP Variant Curation Expert Panel.

Labcorp Genetics (formerly Invitae), Labcorp
Classification: Pathogenic for Ataxia-telangiectasia syndrome. Last evaluated: 2025-11-05. Review status: criteria provided, single submitter. Criteria: Invitae Variant Classification Sherloc (09022015). Collection method: clinical testing. Allele origin: germline. Not counted in ClinVar's aggregate classification.
Comment: This sequence change creates a premature translational stop signal (p.Leu481*) in the ATM gene. It is expected to result in an absent or disrupted protein product. Loss-of-function variants in ATM are known to be pathogenic (PMID: 23807571, 25614872). This variant is not present in population databases (gnomAD no frequency). This premature translational stop signal has been observed in individual(s) with ataxia-telangiectasia (PMID: 21665257). ClinVar contains an entry for this variant (Variation ID: 453367). For these reasons, this variant has been classified as Pathogenic.

Molecular Diagnostics Laboratory, Catalan Institute of Oncology
Classification: Pathogenic for Hereditary cancer-predisposing syndrome. Last evaluated: 2025-02-02. Review status: criteria provided, single submitter. Criteria: ClinGen ACMG Specifications ATM V1.1.0. Collection method: clinical testing. Allele origin: germline. Not counted in ClinVar's aggregate classification.
Comment: PVS1, PM2_Supporting, PM3, PM5_Supporting c.1442T>G, located in exon 10 of the ATM gene, is expected to result in loss of function by premature protein truncation before codon 481, p.(Leu481*). This alteration is expected to result in loss of function by premature protein truncation and nonsense-mediated mRNA decay (PVS1, PM5_Supporting). It is not present in the population database gnomAD v2.1.1, non cancer dataset (PM2_supporting). This variant has been observed in a compound heterozygous state in one Ataxia-Telangiectasia patient (PMID 21665257)(PM3).To our knowledge, functional studies have not been reported for this variant. In addition, it has been reported in ClinVar database (7x pathogenic, 1x likely pathogenic) and in the LOVD database (2x pathogenic). Based on currently available information, the variant c.1442T>G is classified as a pathogenic variant according to ClinGen-ATM Guidelines version v1.1.

Ambry Genetics
Classification: Pathogenic for Hereditary cancer-predisposing syndrome. Last evaluated: 2024-05-30. Review status: criteria provided, single submitter. Criteria: Ambry Variant Classification Scheme 2023. Collection method: clinical testing. Allele origin: germline. Not counted in ClinVar's aggregate classification.
Comment: The p.L481* pathogenic mutation (also known as c.1442T>G), located in coding exon 9 of the ATM gene, results from a T to G substitution at nucleotide position 1442. This changes the amino acid from a leucine to a stop codon within coding exon 9. In one study, an individual with ataxia-telangiectasia (A-T) was found to be compound heterozygous for this mutation and another frameshift alteration in ATM (Micol R et al. J Allergy Clin Immunol, 2011 Aug;128:382-9.e1). This mutation has also been reported in an individual with metastatic prostate cancer (Castro E et al. J Clin Oncol, 2019 02;37:490-503). In addition to the clinical data presented in the literature, this alteration is expected to result in loss of function by premature protein truncation or nonsense-mediated mRNA decay. This variant is considered to be rare based on population cohorts in the Genome Aggregation Database (gnomAD). As such, this alteration is interpreted as a disease-causing mutation.

GeneDx
Classification: Pathogenic. Last evaluated: 2024-03-10. Review status: criteria provided, single submitter. Criteria: GeneDx Variant Classification Process June 2021. Collection method: clinical testing. Allele origin: germline. Affected: yes. Not counted in ClinVar's aggregate classification.
Comment: Nonsense variant predicted to result in protein truncation or nonsense mediated decay in a gene for which loss of function is a known mechanism of disease; Truncating variants in this gene are considered pathogenic by a well-established clinical consortium and/or database; Not observed at significant frequency in large population cohorts (gnomAD); This variant is associated with the following publications: (PMID: 31589614, 21665257, 30625039, 35441217)

Myriad Genetics, Inc.
Classification: Pathogenic for Familial cancer of breast. Last evaluated: 2024-01-16. Review status: criteria provided, single submitter. Criteria: Myriad Autosomal Dominant, Autosomal Recessive and X-Linked Classification Criteria (2023). Collection method: clinical testing. Allele origin: unknown. Not counted in ClinVar's aggregate classification.
Comment: This variant is considered pathogenic. This variant creates a termination codon and is predicted to result in premature protein truncation.

Baylor Genetics
Classification: Pathogenic for Familial cancer of breast. Last evaluated: 2023-03-18. Review status: criteria provided, single submitter. Criteria: ACMG Guidelines, 2015. Collection method: clinical testing. Allele origin: unknown. Not counted in ClinVar's aggregate classification.

Color Diagnostics, LLC DBA Color Health
Classification: Pathogenic for Hereditary cancer-predisposing syndrome. Last evaluated: 2023-01-03. Review status: criteria provided, single submitter. Criteria: ACMG Guidelines, 2015. Collection method: clinical testing. Allele origin: germline. Not counted in ClinVar's aggregate classification.
Comment: This variant changes 1 nucleotide in exon 10 of the ATM gene, creating a premature translation stop signal. This variant is expected to result in an absent or non-functional protein product. This variant has been reported in the compound heterozygous state in individuals affected with ataxia-telangiectasia (PMID: 21665257). This variant has also been reported in individuals affected with metastatic prostate cancer (PMID: 30625039) or renal cell carcinoma (PMID: 35441217). This variant has not been identified in the general population by the Genome Aggregation Database (gnomAD). Loss of ATM function is a known mechanism of disease. Based on the available evidence, this variant is classified as Pathogenic.

Fulgent Genetics
Classification: Pathogenic for Familial cancer of breast; Ataxia-telangiectasia syndrome. Last evaluated: 2018-10-31. Review status: criteria provided, single submitter. Criteria: ACMG Guidelines, 2015. Collection method: clinical testing. Allele origin: unknown. Not counted in ClinVar's aggregate classification.

Counsyl
Classification: Likely pathogenic for Ataxia-telangiectasia syndrome. Last evaluated: 2017-01-05. Review status: no assertion criteria provided. Collection method: clinical testing. Allele origin: unknown. Not counted in ClinVar's aggregate classification.

Literature cited by the submitters: PubMed 23807571 (cited by Labcorp Genetics (formerly Invitae), Labcorp); PubMed 25614872 (cited by Labcorp Genetics (formerly Invitae), Labcorp); PubMed 21665257 (cited by 4 submitters); PubMed 30625039 (cited by Ambry Genetics and Color Diagnostics, LLC DBA Color Health); PubMed 35441217 (cited by Color Diagnostics, LLC DBA Color Health).

NM_000051.4(ATM):c.1442T>G (p.Leu481Ter)

Gene: ATM (ATM serine/threonine kinase; plus strand). Cytogenetic location: 11q22.3.
Variant type: single nucleotide variant.
Coding change: c.1442T>G on transcript NM_000051.4 (MANE Select); coding-DNA position 1442, T replaced by G.
Protein change: p.Leu481Ter; replaces leucine 481 with a stop codon.
Molecular consequence: nonsense.
Genome position (GRCh38, 1-based): chr11:108,250,907, T>G. VCF-style: chr11-108250907-T-G. GRCh37 (hg19) VCF-style: chr11-108121634-T-G.
Other names: NM_000051.3(ATM):c.1442T>G; p.Leu481Ter; c.1442T>G, p.Leu481Ter (NM_001351834.2); short protein forms L481*.
Identifiers: ClinVar variation 453367 (VCV000453367.32), dbSNP rs1555070980, ClinGen allele CA382534080.